The following is an entry in ClinVar:

ClinVar aggregate classification (germline): Benign/Likely benign. Review status: criteria provided, multiple submitters, no conflicts (2 of 4 stars). 4 submissions from 4 submitters: Benign (1); Likely benign (2). 1 of the submissions does not count toward it. Last evaluated 2026-01-27.

Conditions:
LTBP3-related disorder. Also called: LTBP3-related condition.
Inborn genetic diseases. Identifiers: MedGen C0950123, MeSH D030342.
Brachyolmia-amelogenesis imperfecta syndrome. Also called: Tooth agenesis, selective, 6; Dental anomalies and short stature; PLATYSPONDYLY WITH AMELOGENESIS IMPERFECTA. Identifiers: Orphanet 2899, MedGen C1832594, MONDO:0011018, OMIM 601216. Disease mechanism: loss of function.

Allele frequency attached by ClinVar (database versions not stated): gnomAD exomes 0.00020 and 0.00042; ExAC 0.00054; ESP Exome Variant Server 0.00185; gnomAD 0.00217 and 0.00230; TOPMed 0.00237; 1000 Genomes Project 0.00300; 1000 Genomes Project 30x 0.00328.
gnomAD v4.1: 634 of 1,612,902 alleles (0.039%); highest among the groups gnomAD compares: African/African-American, 0.78%; 2 homozygotes.

Submissions (4):

Labcorp Genetics (formerly Invitae), Labcorp
Classification: Benign for Brachyolmia-amelogenesis imperfecta syndrome. Last evaluated: 2026-01-27. Review status: criteria provided, single submitter. Criteria: Invitae Variant Classification Sherloc (09022015). Collection method: clinical testing. Allele origin: germline.

Mayo Clinic Laboratories, Mayo Clinic
Classification: Likely benign. Last evaluated: 2025-10-10. Review status: criteria provided, single submitter. Criteria: ACMG Guidelines, 2015. Collection method: clinical testing. Allele origin: germline. Observed: 1 variant allele.
Comment: BS1, BP4, BP7

Ambry Genetics
Classification: Likely benign for Inborn genetic diseases. Last evaluated: 2022-02-12. Review status: criteria provided, single submitter. Criteria: Ambry Variant Classification Scheme 2023. Collection method: clinical testing. Allele origin: germline.

PreventionGenetics, part of Exact Sciences
Classification: Likely benign for LTBP3-related condition. Last evaluated: 2024-04-09. Review status: no assertion criteria provided. Collection method: clinical testing. Allele origin: germline. Not counted in ClinVar's aggregate classification.
Comment: This variant is classified as likely benign based on ACMG/AMP sequence variant interpretation guidelines (Richards et al. 2015 PMID: 25741868, with internal and published modifications).

NM_001130144.3(LTBP3):c.2889C>T (p.Ser963=)

Genes: LTBP3 (latent transforming growth factor beta binding protein 3; minus strand), LOC130006028 (ATAC-STARR-seq lymphoblastoid active region 4987; plus strand). Cytogenetic location: 11q13.1.
Variant type: single nucleotide variant.
Coding change: c.2889C>T on transcript NM_001130144.3 (MANE Select); coding-DNA position 2889, C replaced by T.
Protein change: p.Ser963=; no amino-acid change (serine 963 retained).
Molecular consequence: synonymous variant.
Genome position (GRCh38, 1-based): chr11:65,541,130, G>A on the plus strand (C>T on the coding strand, the complement: LTBP3 is on the minus strand). VCF-style: chr11-65541130-G-A. GRCh37 (hg19) VCF-style: chr11-65308601-G-A.
Other names: p.Ser963=; c.2538C>T, p.Ser846= (NM_001164266.1); c.2889C>T, p.Ser963= (NM_021070.4).
Identifiers: ClinVar variation 464025 (VCV000464025.16), dbSNP rs75311576, ClinGen allele CA6100464.